The following is an entry in ClinVar:

NM_001267550.2(TTN):c.102097A>G (p.Thr34033Ala)

Genes: TTN-AS1 (TTN antisense RNA 1; plus strand), TTN (titin; minus strand). Cytogenetic location: 2q31.2.
Variant type: single nucleotide variant.
Coding change: c.102097A>G on transcript NM_001267550.2 (MANE Select); coding-DNA position 102097, A replaced by G.
Protein change: p.Thr34033Ala; replaces threonine 34033 with alanine.
Molecular consequence: missense variant.
Genome position (GRCh38, 1-based): chr2:178,534,518, T>C on the plus strand (A>G on the coding strand, the complement: TTN is on the minus strand). VCF-style: chr2-178534518-T-C. GRCh37 (hg19) VCF-style: chr2-179399245-T-C.
Other names: c.97174A>G, p.Thr32392Ala (NM_001256850.1); c.74902A>G, p.Thr24968Ala (NM_003319.4); c.94393A>G, p.Thr31465Ala (NM_133378.4); c.75277A>G, p.Thr25093Ala (NM_133432.3); c.75478A>G, p.Thr25160Ala (NM_133437.4); short protein forms T24968A, T25093A, T25160A, T31465A, T32392A, T34033A.
Identifiers: ClinVar variation 3762514 (VCV003762514.2).

ClinVar aggregate classification (germline): Uncertain significance (1 of 4 stars; one submission).

Conditions:
Autosomal recessive limb-girdle muscular dystrophy type 2J (LGMDR10). Also called: Limb-girdle muscular dystrophy, type 2J; MUSCULAR DYSTROPHY, LIMB-GIRDLE, AUTOSOMAL RECESSIVE 10. Identifiers: Orphanet 140922, MedGen C1837342, MONDO:0012127, OMIM 608807.
Dilated cardiomyopathy 1G (CMD1G). Identifiers: Orphanet 154, MedGen C1858763, MONDO:0011400, OMIM 604145.

Submission:

Labcorp Genetics (formerly Invitae), Labcorp
Classification: Uncertain significance for Dilated cardiomyopathy 1G; Autosomal recessive limb-girdle muscular dystrophy type 2J. Last evaluated: 2024-05-07. Review status: criteria provided, single submitter. Criteria: Invitae Variant Classification Sherloc (09022015). Collection method: clinical testing. Allele origin: germline.
Comment: This sequence change replaces threonine, which is neutral and polar, with alanine, which is neutral and non-polar, at codon 34033 of the TTN protein (p.Thr34033Ala). This variant is not present in population databases (gnomAD no frequency). This variant has not been reported in the literature in individuals affected with TTN-related conditions. Algorithms developed to predict the effect of missense changes on protein structure and function output the following: SIFT: "Not Available"; PolyPhen-2: "Not Available"; Align-GVGD: "Not Available". The alanine amino acid residue is found in multiple mammalian species, which suggests that this missense change does not adversely affect protein function. This variant is located in the M band of TTN (PMID: 25589632). Non-truncating variants in this region may be relevant for neuromuscular disorders, but have not been definitively shown to cause cardiomyopathy (PMID: 23975875). In summary, the available evidence is currently insufficient to determine the role of this variant in disease. Therefore, it has been classified as a Variant of Uncertain Significance.

Literature cited by the submitters: PubMed 25589632; PubMed 23975875.